The following is an entry in ClinVar:

ClinVar aggregate classification (germline): Uncertain significance (1 of 4 stars; one submission).

Allele frequency attached by ClinVar (database versions not stated): ExAC 0.00001; gnomAD 0.00001; 1000 Genomes Project 30x 0.00016; 1000 Genomes Project 0.00020.
gnomAD v4.1: 1 of 1,613,612 alleles (0.000062%); highest among the groups gnomAD compares: African/African-American, 0.0013%; no homozygotes.

Submission:

Labcorp Genetics (formerly Invitae), Labcorp
Classification: Uncertain significance. Last evaluated: 2022-03-09. Review status: criteria provided, single submitter. Criteria: Invitae Variant Classification Sherloc (09022015). Collection method: clinical testing. Allele origin: germline.
Comment: Algorithms developed to predict the effect of missense changes on protein structure and function output the following: SIFT: "Tolerated"; PolyPhen-2: "Benign"; Align-GVGD: "Class C0". The lysine amino acid residue is found in multiple mammalian species, which suggests that this missense change does not adversely affect protein function. This sequence change replaces glutamine, which is neutral and polar, with lysine, which is basic and polar, at codon 752 of the DDX58 protein (p.Gln752Lys). This variant is present in population databases (rs570533013, gnomAD 0.007%). This variant has not been reported in the literature in individuals affected with DDX58-related conditions. In summary, the available evidence is currently insufficient to determine the role of this variant in disease. Therefore, it has been classified as a Variant of Uncertain Significance.

NM_014314.4(RIGI):c.2254C>A (p.Gln752Lys)

Gene: RIGI (RNA sensor RIG-I; minus strand). Cytogenetic location: 9p21.1.
Variant type: single nucleotide variant.
Coding change: c.2254C>A on transcript NM_014314.4 (MANE Select); coding-DNA position 2254, C replaced by A.
Protein change: p.Gln752Lys; replaces glutamine 752 with lysine.
Molecular consequence: missense variant.
Genome position (GRCh38, 1-based): chr9:32,466,373, G>T on the plus strand (C>A on the coding strand, the complement: RIGI is on the minus strand). VCF-style: chr9-32466373-G-T. GRCh37 (hg19) VCF-style: chr9-32466371-G-T.
Other names: c.2248C>A, p.Gln750Lys (NM_001385907.1); c.2083C>A, p.Gln695Lys (NM_001385909.1); c.1813C>A, p.Gln605Lys (NM_001385910.1); c.1645C>A, p.Gln549Lys (NM_001385912.1); c.2239C>A, p.Gln747Lys (NM_001385913.1); c.1810C>A, p.Gln604Lys (NM_001385914.1); short protein forms Q604K, Q549K, Q747K, Q750K, Q752K, Q605K, Q695K.
Identifiers: ClinVar variation 2107840 (VCV002107840.4), dbSNP rs570533013, ClinGen allele CA5019556.